The following is an entry in ClinVar:

ClinVar aggregate classification (germline): Likely benign (1 of 4 stars; one submission).

Submission:

CeGaT Center for Human Genetics Tuebingen
Classification: Likely benign. Last evaluated: 2022-07-01. Review status: criteria provided, single submitter. Criteria: CeGaT Center For Human Genetics Tuebingen Variant Classification Criteria Version 2. Collection method: clinical testing. Allele origin: germline. Affected: yes. Observed: 1 variant allele.
Comment: USP27X: PM2:Supporting, BP4, BP7

NM_001145073.3(USP27X):c.663C>T (p.Thr221=)

Gene: USP27X (ubiquitin specific peptidase 27 X-linked; plus strand). Cytogenetic location: Xp11.23.
Variant type: single nucleotide variant.
Coding change: c.663C>T on transcript NM_001145073.3 (MANE Select); coding-DNA position 663, C replaced by T.
Protein change: p.Thr221=; no amino-acid change (threonine 221 retained).
Molecular consequence: synonymous variant.
Genome position (GRCh38, 1-based): chrX:49,880,970, C>T. VCF-style: chrX-49880970-C-T. GRCh37 (hg19) VCF-style: chrX-49645573-C-T.
Identifiers: ClinVar variation 2660537 (VCV002660537.24), dbSNP rs2519167204, ClinGen allele CA516678399.
Genomic context (GRCh38, chrX:49,880,970, plus strand): 5'-AATCTTCACAGGTGGCCTGCAGTCTGATGTCACCTGTCAAGCCTGCCATGGCGTCTCCAC[C>T]ACGATAGACCCATGCTGGGACATTAGTTTGGACTTGCCTGGCTCTTGCACCTCCTTCTGG-3'
Protein context (NP_001138545.1, residues 211-231): VTCQACHGVS[Thr221=]TIDPCWDISL